The following is an entry in ClinVar:

NM_001903.5(CTNNA1):c.2558A>G (p.Asn853Ser)

Gene: CTNNA1 (catenin alpha 1; plus strand). Cytogenetic location: 5q31.2.
Variant type: single nucleotide variant.
Coding change: c.2558A>G on transcript NM_001903.5 (MANE Select); coding-DNA position 2558, A replaced by G.
Protein change: p.Asn853Ser; replaces asparagine 853 with serine.
Molecular consequence: missense variant. On other transcripts: 3 prime UTR variant (5).
Genome position (GRCh38, 1-based): chr5:138,933,926, A>G. VCF-style: chr5-138933926-A-G. GRCh37 (hg19) VCF-style: chr5-138269615-A-G.
Other names: c.2558A>G (NM_001903.4); c.1448A>G, p.Asn483Ser (NM_001323997.1, NM_001323998.1, NM_001323999.1 and 12 more transcripts); c.1313A>G, p.Asn438Ser (NM_001324001.1); c.*103A>G (NM_001324002.1, NM_001324003.1, NM_001324004.1 and 2 more transcripts); c.1109A>G, p.Asn370Ser (NM_001324006.1, NM_001324007.1, NM_001324008.1 and 2 more transcripts); c.2249A>G, p.Asn750Ser (NM_001290309.3); c.2189A>G, p.Asn730Ser (NM_001290310.3); c.2558A>G, p.Asn853Ser (NM_001323982.2, NM_001323983.1, NM_001323984.2); and 4 more; short protein forms N853S, N370S, N402S, N483S, N730S, N822S, N438S, N452S.
Identifiers: ClinVar variation 408999 (VCV000408999.22), dbSNP rs199994641, ClinGen allele CA3432268.
Genomic context (GRCh38, chr5:138,933,926, plus strand): 5'-TGAAGGCATCCTACGTCGCCTCTACCAAATACCAAAAGTCACAGGGTATGGCTTCCCTCA[A>G]CCTTCCTGCTGTGTCATGGAAGATGAAGGCACCAGAGAAAAAGCCATTGGTGAAGAGAGA-3'
Protein context (NP_001894.2, residues 843-863): YQKSQGMASL[Asn853Ser]LPAVSWKMKA

ClinVar aggregate classification (germline): Conflicting classifications of pathogenicity. Review status: criteria provided, conflicting classifications (1 of 4 stars). 6 submissions from 6 submitters: Uncertain significance (5); Likely benign (1). Last evaluated 2026-09-17.

Conditions:
CTNNA1-related disorder. Also called: CTNNA1-related condition.
Patterned macular dystrophy 2. Identifiers: Orphanet 99001, MedGen C1837029, MONDO:0012162, OMIM 608970.
Hereditary cancer-predisposing syndrome. Also called: Neoplastic Syndromes, Hereditary; Tumor predisposition; Hereditary Cancer Syndrome; Hereditary neoplastic syndrome. Identifiers: Orphanet 140162, MedGen C0027672, MeSH D009386, MONDO:0015356.

Allele frequency attached by ClinVar (database versions not stated): gnomAD 0.00003 and 0.00004; TOPMed 0.00003.
gnomAD v4.1: 131 of 1,614,022 alleles (0.0081%); highest among the groups gnomAD compares: Non-Finnish European, 0.011%; no homozygotes.

Submissions (6):

PreventionGenetics, part of Exact Sciences
Classification: Uncertain significance for CTNNA1-related condition. Last evaluated: 2026-09-17. Review status: criteria provided, single submitter. Criteria: ACMG Guidelines, 2015. Collection method: clinical testing. Allele origin: germline.
Comment: The CTNNA1 c.2558A>G variant is predicted to result in the amino acid substitution p.Asn853Ser. This variant was reported in 25 individuals from a cohort study of gastric and/or breast cancer (Table S1, Clark et al. 2020. PubMed ID: 32051609). This variant is reported in 0.0096% of alleles in individuals of Ashkenazi Jewish descent in gnomAD and has conflicting interpretations in ClinVar ranging from likely benign to uncertain (Variation ID: 408999). At this time, the clinical significance of this variant is uncertain due to the absence of conclusive functional and genetic evidence.

Labcorp Genetics (formerly Invitae), Labcorp
Classification: Uncertain significance. Last evaluated: 2026-01-29. Review status: criteria provided, single submitter. Criteria: Invitae Variant Classification Sherloc (09022015). Collection method: clinical testing. Allele origin: germline.
Comment: This sequence change replaces asparagine, which is neutral and polar, with serine, which is neutral and polar, at codon 853 of the CTNNA1 protein (p.Asn853Ser). This variant is present in population databases (rs199994641, gnomAD 0.01%). This missense change has been observed in individual(s) with retinitis pigmentosa (internal data). ClinVar contains an entry for this variant (Variation ID: 408999). An algorithm developed to predict the effect of missense changes on protein structure and function (PolyPhen-2) suggests that this variant is likely to be tolerated. RNA analysis performed to evaluate the impact of this missense change on mRNA splicing indicates it does not significantly alter splicing (internal data). In summary, the available evidence is currently insufficient to determine the role of this variant in disease. Therefore, it has been classified as a Variant of Uncertain Significance.

GeneDx
Classification: Uncertain significance. Last evaluated: 2024-10-22. Review status: criteria provided, single submitter. Criteria: GeneDx Variant Classification Process June 2021. Collection method: clinical testing. Allele origin: germline. Affected: yes.
Comment: In silico analysis indicates that this missense variant does not alter protein structure/function; Has not been previously published as pathogenic or benign to our knowledge; This variant is associated with the following publications: (PMID: 32051609)

Fulgent Genetics
Classification: Uncertain significance for Patterned macular dystrophy 2. Last evaluated: 2024-01-25. Review status: criteria provided, single submitter. Criteria: ACMG Guidelines, 2015. Collection method: clinical testing. Allele origin: germline.

Baylor Genetics
Classification: Uncertain significance for Patterned macular dystrophy 2. Last evaluated: 2023-12-24. Review status: criteria provided, single submitter. Criteria: ACMG Guidelines, 2015. Collection method: clinical testing. Allele origin: unknown.

Ambry Genetics
Classification: Likely benign for Hereditary cancer-predisposing syndrome. Last evaluated: 2023-07-05. Review status: criteria provided, single submitter. Criteria: Ambry Variant Classification Scheme 2023. Collection method: clinical testing. Allele origin: germline.

Literature cited by the submitters: PubMed 32051609 (cited by Ambry Genetics).